The following is an entry in ClinVar:

NM_012123.4(MTO1):c.61C>T (p.Pro21Ser)

Gene: MTO1 (mitochondrial tRNA translation optimization 1; plus strand). Cytogenetic location: 6q13.
Variant type: single nucleotide variant.
Coding change: c.61C>T on transcript NM_012123.4 (MANE Select); coding-DNA position 61, C replaced by T.
Protein change: p.Pro21Ser; replaces proline 21 with serine.
Molecular consequence: missense variant.
Genome position (GRCh38, 1-based): chr6:73,461,915, C>T. VCF-style: chr6-73461915-C-T. GRCh37 (hg19) VCF-style: chr6-74171638-C-T.
Other names: c.61C>T, p.Pro21Ser (NM_001123226.2, NM_133645.3); short protein forms P21S.
Identifiers: ClinVar variation 408277 (VCV000408277.7), dbSNP rs753873871, ClinGen allele CA3889214.

ClinVar aggregate classification (germline): Uncertain significance (1 of 4 stars; one submission).

Conditions:
Mitochondrial hypertrophic cardiomyopathy with lactic acidosis due to MTO1 deficiency. Also called: Combined oxidative phosphorylation deficiency 10; CARDIOMYOPATHY, INFANTILE HYPERTROPHIC MITOCHONDRIAL, AND LACTIC ACIDOSIS. Identifiers: Orphanet 314637, MedGen C4749921, MONDO:0013865, OMIM 614702.

Allele frequency attached by ClinVar (database versions not stated): ExAC 0.00002.

Submission:

Labcorp Genetics (formerly Invitae), Labcorp
Classification: Uncertain significance for Mitochondrial hypertrophic cardiomyopathy with lactic acidosis due to MTO1 deficiency. Last evaluated: 2016-09-21. Review status: criteria provided, single submitter. Criteria: Invitae Variant Classification Sherloc (09022015). Collection method: clinical testing. Allele origin: germline.
Comment: This sequence change replaces proline with serine at codon 21 of the MTO1 protein (p.Pro21Ser). The proline residue is weakly conserved and there is a moderate physicochemical difference between proline and serine. While this variant is not present in population databases (rs753873871), the frequency information is unreliable, as metrics indicate poor data quality at this position in the ExAC database. Algorithms developed to predict the effect of missense changes on protein structure and function output the following: (SIFT: "Tolerated"; PolyPhen-2: "Benign"; Align-GVGD: "Class C0"). The serine amino acid residue is found in multiple mammalian species, suggesting that this missense change does not adversely affect protein function. These predictions have not been confirmed by published functional studies. In summary, this variant is a rare missense change that is not predicted to affect protein function. There is no indication that it causes disease, but the available evidence is currently insufficient to prove that conclusively. Therefore, it has been classified as a Variant of Uncertain Significance.